The following is an entry in ClinVar:

NM_005876.5(SPEG):c.1301G>A (p.Arg434His)

Gene: SPEG (striated muscle enriched protein kinase; plus strand). Cytogenetic location: 2q35.
Variant type: single nucleotide variant.
Coding change: c.1301G>A on transcript NM_005876.5 (MANE Select); coding-DNA position 1301, G replaced by A.
Protein change: p.Arg434His; replaces arginine 434 with histidine.
Molecular consequence: missense variant.
Genome position (GRCh38, 1-based): chr2:219,448,459, G>A. VCF-style: chr2-219448459-G-A. GRCh37 (hg19) VCF-style: chr2-220313181-G-A.
Other names: short protein forms R434H.
Identifiers: ClinVar variation 1032368 (VCV001032368.10), dbSNP rs924342297, ClinGen allele CA66004466.

ClinVar aggregate classification (germline): Uncertain significance. Review status: criteria provided, multiple submitters, no conflicts (2 of 4 stars). 4 submissions from 4 submitters: Uncertain significance (4). Last evaluated 2025-08-23.

Conditions:
Myopathy, centronuclear, 5 (CNM5). Identifiers: Orphanet 169186, MedGen C4014814, MONDO:0014418, OMIM 615959.
Inborn genetic diseases. Identifiers: MedGen C0950123, MeSH D030342.

Allele frequency attached by ClinVar (database versions not stated): gnomAD exomes 0.00002; 1000 Genomes Project 30x 0.00016; gnomAD 0.00022 and 0.00025; TOPMed 0.00030.
gnomAD v4.1: 65 of 1,498,996 alleles (0.0043%); highest among the groups gnomAD compares: African/African-American, 0.081%; no homozygotes.

Submissions (4):

Ambry Genetics
Classification: Uncertain significance for Inborn genetic diseases. Last evaluated: 2025-08-23. Review status: criteria provided, single submitter. Criteria: Ambry Variant Classification Scheme 2023. Collection method: clinical testing. Allele origin: germline.

Revvity Omics, Revvity
Classification: Uncertain significance for Myopathy, centronuclear, 5. Last evaluated: 2024-06-20. Review status: criteria provided, single submitter. Criteria: ACMG Guidelines, 2015. Collection method: clinical testing. Allele origin: germline.

Labcorp Genetics (formerly Invitae), Labcorp
Classification: Uncertain significance. Last evaluated: 2022-08-21. Review status: criteria provided, single submitter. Criteria: Invitae Variant Classification Sherloc (09022015). Collection method: clinical testing. Allele origin: germline.
Comment: This sequence change replaces arginine, which is basic and polar, with histidine, which is basic and polar, at codon 434 of the SPEG protein (p.Arg434His). The frequency data for this variant in the population databases is considered unreliable, as metrics indicate poor data quality at this position in the gnomAD database. This variant has not been reported in the literature in individuals affected with SPEG-related conditions. ClinVar contains an entry for this variant (Variation ID: 1032368). Algorithms developed to predict the effect of missense changes on protein structure and function are either unavailable or do not agree on the potential impact of this missense change (SIFT: "Tolerated"; PolyPhen-2: "Possibly Damaging"; Align-GVGD: "Class C0"). In summary, the available evidence is currently insufficient to determine the role of this variant in disease. Therefore, it has been classified as a Variant of Uncertain Significance.

Baylor Genetics
Classification: Uncertain significance for Myopathy, centronuclear, 5. Last evaluated: 2022-01-05. Review status: criteria provided, single submitter. Criteria: ACMG Guidelines, 2015. Collection method: clinical testing. Allele origin: unknown.